The following is an entry in ClinVar:

NM_000051.4(ATM):c.3380C>T (p.Ala1127Val)

Gene: ATM (ATM serine/threonine kinase; plus strand). Cytogenetic location: 11q22.3.
Variant type: single nucleotide variant.
Coding change: c.3380C>T on transcript NM_000051.4 (MANE Select); coding-DNA position 3380, C replaced by T.
Protein change: p.Ala1127Val; replaces alanine 1127 with valine.
Molecular consequence: missense variant.
Genome position (GRCh38, 1-based): chr11:108,279,586, C>T. VCF-style: chr11-108279586-C-T. GRCh37 (hg19) VCF-style: chr11-108150313-C-T.
Other names: c.3380C>T, p.Ala1127Val (NM_001351834.2); short protein forms A1127V.
Identifiers: ClinVar variation 3662097 (VCV003662097.2).

ClinVar aggregate classification (germline): Uncertain significance (1 of 4 stars; one submission).

Conditions:
Ataxia-telangiectasia syndrome (AT). Also called: LOUIS-BAR SYNDROME; Cerebello-oculocutaneous telangiectasia; Immunodeficiency with ataxia telangiectasia; ATAXIA-TELANGIECTASIA, COMPLEMENTATION GROUP A; ATAXIA-TELANGIECTASIA, FRESNO VARIANT; Ataxia-telangiectasia, complementation group D. Identifiers: Orphanet 100, MedGen C0004135, MONDO:0008840, OMIM 208900.

Submission:

Labcorp Genetics (formerly Invitae), Labcorp
Classification: Uncertain significance for Ataxia-telangiectasia syndrome. Last evaluated: 2024-08-12. Review status: criteria provided, single submitter. Criteria: Invitae Variant Classification Sherloc (09022015). Collection method: clinical testing. Allele origin: germline.
Comment: This sequence change replaces alanine, which is neutral and non-polar, with valine, which is neutral and non-polar, at codon 1127 of the ATM protein (p.Ala1127Val). This variant is not present in population databases (gnomAD no frequency). This variant has not been reported in the literature in individuals affected with ATM-related conditions. An algorithm developed to predict the effect of missense changes on protein structure and function outputs the following: PolyPhen-2: "Benign". The valine amino acid residue is found in multiple mammalian species, which suggests that this missense change does not adversely affect protein function. In summary, the available evidence is currently insufficient to determine the role of this variant in disease. Therefore, it has been classified as a Variant of Uncertain Significance.